The following is an entry in ClinVar:

NM_001394372.1(BICRA):c.797C>T (p.Ala266Val)

Gene: BICRA (BRD4 interacting chromatin remodeling complex associated protein; plus strand). Cytogenetic location: 19q13.33.
Variant type: single nucleotide variant.
Coding change: c.797C>T on transcript NM_001394372.1 (MANE Select); coding-DNA position 797, C replaced by T.
Protein change: p.Ala266Val; replaces alanine 266 with valine.
Molecular consequence: missense variant.
Genome position (GRCh38, 1-based): chr19:47,679,967, C>T. VCF-style: chr19-47679967-C-T. GRCh37 (hg19) VCF-style: chr19-48183224-C-T.
Other names: c.797C>T, p.Ala266Val (NM_015711.3); short protein forms A266V.
Identifiers: ClinVar variation 2505184 (VCV002505184.1), dbSNP rs1973006501, ClinGen allele CA406610547.

ClinVar aggregate classification (germline): Uncertain significance (1 of 4 stars; one submission).

Allele frequency attached by ClinVar (database versions not stated): gnomAD exomes below 0.00001.
gnomAD v4.1: 5 of 1,486,038 alleles (0.00034%); highest among the groups gnomAD compares: South Asian, 0.0026%; no homozygotes.

Submission:

Greenwood Genetic Center Diagnostic Laboratories, Greenwood Genetic Center
Classification: Uncertain significance. Last evaluated: 2023-02-24. Review status: criteria provided, single submitter. Criteria: ACMG Guidelines, 2015. Collection method: clinical testing. Allele origin: germline. Affected: yes.
Comment: PM2, PP3